The following is an entry in ClinVar:

NM_000038.6(APC):c.4302C>A (p.Ser1434Arg)

Gene: APC (APC regulator of Wnt signaling pathway; plus strand). Cytogenetic location: 5q22.2.
Variant type: single nucleotide variant.
Coding change: c.4302C>A on transcript NM_000038.6 (MANE Select); coding-DNA position 4302, C replaced by A.
Protein change: p.Ser1434Arg; replaces serine 1434 with arginine.
Molecular consequence: missense variant. On other transcripts: non-coding transcript variant (2).
Genome position (GRCh38, 1-based): chr5:112,839,896, C>A. VCF-style: chr5-112839896-C-A. GRCh37 (hg19) VCF-style: chr5-112175593-C-A.
Other names: c.4302C>A, p.Ser1434Arg (NM_001127510.3, NM_001354895.2, NM_001407450.1); c.4248C>A, p.Ser1416Arg (NM_001127511.3); c.4356C>A, p.Ser1452Arg (NM_001354896.2, NM_001407447.1, NM_001407448.1 and 1 more transcripts); c.4332C>A, p.Ser1444Arg (NM_001354897.2); c.4227C>A, p.Ser1409Arg (NM_001354898.2); c.4218C>A, p.Ser1406Arg (NM_001354899.2); c.4179C>A, p.Ser1393Arg (NM_001354900.2); c.4125C>A, p.Ser1375Arg (NM_001354901.2, NM_001407453.1); and 11 more; short protein forms S1050R, S1308R, S1333R, S1375R, S1409R, S1444R, S1151R, S1274R.
Identifiers: ClinVar variation 2749859 (VCV002749859.3), dbSNP rs2149911203, ClinGen allele CA16030759.

ClinVar aggregate classification (germline): Uncertain significance (1 of 4 stars; one submission).

Conditions:
Familial adenomatous polyposis 1 (FAP1). Also called: POLYPOSIS, ADENOMATOUS INTESTINAL; FAMILIAL ADENOMATOUS POLYPOSIS 1, ATTENUATED. Identifiers: MedGen C2713442, MONDO:0021056, OMIM 175100. Disease mechanism: loss of function.

Submission:

Labcorp Genetics (formerly Invitae), Labcorp
Classification: Uncertain significance for Familial adenomatous polyposis 1. Last evaluated: 2023-08-03. Review status: criteria provided, single submitter. Criteria: Invitae Variant Classification Sherloc (09022015). Collection method: clinical testing. Allele origin: germline.
Comment: This sequence change replaces serine, which is neutral and polar, with arginine, which is basic and polar, at codon 1434 of the APC protein (p.Ser1434Arg). This variant is not present in population databases (gnomAD no frequency). This variant has not been reported in the literature in individuals affected with APC-related conditions. Advanced modeling of protein sequence and biophysical properties (such as structural, functional, and spatial information, amino acid conservation, physicochemical variation, residue mobility, and thermodynamic stability) performed at Invitae indicates that this missense variant is not expected to disrupt APC protein function. In summary, the available evidence is currently insufficient to determine the role of this variant in disease. Therefore, it has been classified as a Variant of Uncertain Significance.